The following is an entry in ClinVar:

NM_001001671.4(MAP3K15):c.1363G>A (p.Val455Ile)

Gene: MAP3K15 (mitogen-activated protein kinase kinase kinase 15; minus strand). Cytogenetic location: Xp22.12.
Variant type: single nucleotide variant.
Coding change: c.1363G>A on transcript NM_001001671.4 (MANE Select); coding-DNA position 1363, G replaced by A.
Protein change: p.Val455Ile; replaces valine 455 with isoleucine.
Molecular consequence: missense variant.
Genome position (GRCh38, 1-based): chrX:19,425,607, C>T on the plus strand (G>A on the coding strand, the complement: MAP3K15 is on the minus strand). VCF-style: chrX-19425607-C-T. GRCh37 (hg19) VCF-style: chrX-19443725-C-T.
Other names: short protein forms V455I.
Identifiers: ClinVar variation 788841 (VCV000788841.6), dbSNP rs200274989, ClinGen allele CA10364099.

ClinVar aggregate classification (germline): Likely benign. Review status: criteria provided, multiple submitters, no conflicts (2 of 4 stars). 3 submissions from 3 submitters: Likely benign (2). 1 of the submissions does not count toward it. Last evaluated 2018-04-09.

Conditions:
MAP3K15-related disorder. Also called: MAP3K15-related condition.

Allele frequency attached by ClinVar (database versions not stated): ESP Exome Variant Server 0.00037; 1000 Genomes Project 30x 0.00062; TOPMed 0.00066; gnomAD exomes 0.00075 and 0.00094; ExAC 0.00078; 1000 Genomes Project 0.00079; gnomAD 0.00081 and 0.00082.
gnomAD v4.1: 1,134 of 1,197,512 alleles (0.095%); highest among the groups gnomAD compares: Non-Finnish European, 0.11%; no homozygotes.

Submissions (3):

Labcorp Genetics (formerly Invitae), Labcorp
Classification: Likely benign. Last evaluated: 2018-04-09. Review status: criteria provided, single submitter. Criteria: Invitae Variant Classification Sherloc (09022015). Collection method: clinical testing. Allele origin: germline.

Breakthrough Genomics
Classification: Likely benign. Review status: criteria provided, single submitter. Criteria: ACMG Guidelines, 2015. Collection method: not provided. Allele origin: germline. Inheritance: Unknown mechanism. Affected: yes.

PreventionGenetics, part of Exact Sciences
Classification: Likely benign for MAP3K15-related condition. Last evaluated: 2022-09-21. Review status: no assertion criteria provided. Collection method: clinical testing. Allele origin: germline. Not counted in ClinVar's aggregate classification.
Comment: This variant is classified as likely benign based on ACMG/AMP sequence variant interpretation guidelines (Richards et al. 2015 PMID: 25741868, with internal and published modifications).